The following is an entry in ClinVar:

ClinVar aggregate classification (germline): Conflicting classifications of pathogenicity. Review status: criteria provided, conflicting classifications (1 of 4 stars). 9 submissions from 9 submitters: Pathogenic (4); Likely pathogenic (3); Uncertain significance (2). Last evaluated 2025-12-01.

Conditions:
King Denborough syndrome (KDS). Identifiers: MedGen C1840365, MONDO:0020485, OMIM 619542.
Central core myopathy (CMYO1A). Also called: CONGENITAL MYOPATHY 1A, AUTOSOMAL DOMINANT, WITH SUSCEPTIBILITY TO MALIGNANT HYPERTHERMIA; Central core disease; Myopathy, central fibrillar. Identifiers: Orphanet 597, MedGen C5830701, MONDO:0007294, OMIM 117000.
Malignant hyperthermia, susceptibility to, 1 (MHS1). Also called: Anesthesia related hyperthermia; Malignant hyperpyrexia; Fulminating hyperpyrexia; Pharmacogenic myopathy; RYR1-Related Malignant Hyperthermia Susceptibility; Malignant hyperthermia suceptibility 1. Identifiers: Orphanet 423, MedGen C2930980, MONDO:0007783, OMIM 145600.
Congenital multicore myopathy with external ophthalmoplegia (CMYO1B). Also called: Congenital myopathy 1B, autosomal recessive; Minicore myopathy; MULTICORE MYOPATHY; Minicore myopathy with external ophthalmoplegia; MULTIMINICORE DISEASE WITH EXTERNAL OPHTHALMOPLEGIA. Identifiers: Orphanet 598, Orphanet 98905, MedGen C1850674, MONDO:0009712, OMIM 255320, HP:0003789.
Congenital myopathy with fiber type disproportion. Also called: Congenital fiber-type disproportion myopathy; Congenital fiber-type disproportion. Identifiers: Orphanet 2020, MedGen C0546264, MONDO:0009711. Inheritance: all.
RYR1-related disorder. Also called: RYR1-related condition; RYR1-related disorders. Identifiers: MedGen CN239331.

Submissions (9):

Labcorp Genetics (formerly Invitae), Labcorp
Classification: Pathogenic for RYR1-related disorder. Last evaluated: 2025-12-01. Review status: criteria provided, single submitter. Criteria: Invitae Variant Classification Sherloc (09022015). Collection method: clinical testing. Allele origin: germline.
Comment: This sequence change creates a premature translational stop signal (p.Ile4107Serfs*15) in the RYR1 gene. It is expected to result in an absent or disrupted protein product. Loss-of-function variants in RYR1 are known to be pathogenic (PMID: 23919265, 25960145, 28818389, 30611313). This variant is present in population databases (rs754572007, gnomAD 0.09%). This variant has not been reported in the literature in individuals affected with RYR1-related conditions. ClinVar contains an entry for this variant (Variation ID: 451481). For these reasons, this variant has been classified as Pathogenic.

GeneDx
Classification: Pathogenic. Last evaluated: 2024-12-10. Review status: criteria provided, single submitter. Criteria: GeneDx Variant Classification Process June 2021. Collection method: clinical testing. Allele origin: germline. Affected: yes.
Comment: Frameshift variant predicted to result in protein truncation or nonsense mediated decay in a gene for which loss of function is a known mechanism of disease; This variant is associated with the following publications: (PMID: 35535697)

All of Us Research Program, National Institutes of Health
Classification: Uncertain significance for Malignant hyperthermia, susceptibility to, 1. Last evaluated: 2024-08-06. Review status: criteria provided, single submitter. Criteria: ACMG Guidelines, 2015. Collection method: clinical testing. Allele origin: germline. Inheritance: Autosomal dominant inheritance. Observed: 11 variant alleles, 11 heterozygotes.
Comment: This variant deletes 1 nucleotide in exon 90 of the RYR1 gene, creating a frameshift and premature translation stop signal. This variant is expected to result in an absent or non-functional protein product. This variant has not been reported in individuals affected with autosomal dominant malignant hyperthermia in the literature, although it is associated with other phenotype(s) (ClinVar Variation ID: 451481). This variant has been identified in 10/249298 chromosomes in the general population by the Genome Aggregation Database (gnomAD). Loss of RYR1 function due to haploinsufficiency is not an established disease mechanism for autosomal dominant malignant hyperthermia. Due to insufficient evidence, this variant is classified as a Variant of Uncertain Significance for autosomal dominant malignant hyperthermia.

This study involves interpretation of variants in research participants for the purpose of population health screening. Participant phenotype was not available at the time of variant classification. Additional details can be found in publication PMID: 35346344, PMCID: PMC8962531

Dasa
Classification: Pathogenic. Last evaluated: 2024-08-06. Review status: criteria provided, single submitter. Criteria: DASA Assertion Criteria. Collection method: clinical testing. Allele origin: germline.
Comment: NM_000540.3(RYR1):c.12319del (p.Ile4107Serfs*15) introduces a premature termination codon predicted to result in loss of normal protein function. Loss-of-function is an established mechanism of disease for this gene. The variant is present at low frequency in population datasets. Based on the available data, this variant is classified as pathogenic.

Color Diagnostics, LLC DBA Color Health
Classification: Uncertain significance for Malignant hyperthermia, susceptibility to, 1. Last evaluated: 2024-07-10. Review status: criteria provided, single submitter. Criteria: ACMG Guidelines, 2015. Collection method: clinical testing. Allele origin: germline.
Comment: This variant deletes 1 nucleotide in exon 90 of the RYR1 gene, creating a frameshift and premature translation stop signal. This variant is expected to result in an absent or non-functional protein product. This variant has not been reported in individuals affected with autosomal dominant malignant hyperthermia in the literature, although it is associated with other phenotype(s) (ClinVar Variation ID: 451481). This variant has been identified in 10/249298 chromosomes in the general population by the Genome Aggregation Database (gnomAD). Loss of RYR1 function due to haploinsufficiency is not an established disease mechanism for autosomal dominant malignant hyperthermia. Due to insufficient evidence, this variant is classified as a Variant of Uncertain Significance for autosomal dominant malignant hyperthermia.

New York Genome Center
Classification: Likely pathogenic for Central core myopathy; Congenital multicore myopathy with external ophthalmoplegia. Last evaluated: 2023-08-29. Review status: criteria provided, single submitter. Criteria: NYGC Assertion Criteria 2020. Collection method: clinical testing. Allele origin: inherited. Affected: yes. Observed: 1 variant allele, 1 compound heterozygote.
Comment: The inherited c.12319del, p.(Ile4107SerfsTer15) variant identified in the RYR1 gene is a frameshift variant in exon 90/106 and is predicted to lead to a premature termination of the protein approximately 15 amino acids downstream and lead to loss of function via nonsense mediated decay. This variant is found with low frequency in population databases (gnomADv2.1.1, gnomADv3.1.2, BRAVO-TopMed, All of US) with allele frequency 2.56e-5 (0 homozygotes), suggesting it is not a common benign variant in the populations represented in those databases. This variant is absent from ClinVar and to our current knowledge has not been reported in affected individuals in the literature, however many downstream nonsense and frameshift variants have been reported as Pathogenic or Likely Pathogenic in ClinVar (VarIDs:836033, 817777, 199203, others) and reported in individuals with autosomal recessive RYR1 associated phenotypes in the literature (for Review [PMID:23919265]). Given its deleterious nature and low frequency in population databases, the inherited c.12319del, p.(Ile4107SerfsTer15) variant identified in the RYR1 gene is reported here as Likely Pathogenic.

Revvity Omics, Revvity
Classification: Likely pathogenic. Last evaluated: 2022-05-31. Review status: criteria provided, single submitter. Criteria: ACMG Guidelines, 2015. Collection method: clinical testing. Allele origin: germline.

Fulgent Genetics
Classification: Likely pathogenic for Central core myopathy; Malignant hyperthermia, susceptibility to, 1; Congenital myopathy 4A, autosomal dominant; Congenital multicore myopathy with external ophthalmoplegia; King Denborough syndrome. Last evaluated: 2021-10-17. Review status: criteria provided, single submitter. Criteria: ACMG Guidelines, 2015. Collection method: clinical testing. Allele origin: unknown.

Laan Lab, Human Genetics Research Group, University of Tartu
Classification: Pathogenic for Malignant hyperthermia, susceptibility to, 1. Last evaluated: 2021-05-01. Review status: criteria provided, single submitter. Criteria: ACMG Guidelines, 2015. Collection method: research. Allele origin: unknown. Observed: 1 variant allele, 1 heterozygote.

Literature cited by the submitters: PubMed 23919265 (cited by Labcorp Genetics (formerly Invitae), Labcorp); PubMed 25960145 (cited by Labcorp Genetics (formerly Invitae), Labcorp); PubMed 28818389 (cited by Labcorp Genetics (formerly Invitae), Labcorp); PubMed 30611313 (cited by Labcorp Genetics (formerly Invitae), Labcorp); PubMed 35535697 (cited by Laan Lab, Human Genetics Research Group, University of Tartu).

NM_000540.3(RYR1):c.12319del (p.Ile4107fs)

Gene: RYR1 (ryanodine receptor 1; plus strand). Cytogenetic location: 19q13.2.
Variant type: Deletion.
Coding change: c.12319del on transcript NM_000540.3 (MANE Select); coding-DNA position 12319, one base deleted (A; older notation c.12319delA).
Protein change: p.Ile4107fs; shifts the reading frame from isoleucine 4107.
Molecular consequence: frameshift variant.
Genome position (GRCh38, 1-based): chr19:38,561,149, A deleted; the last of 3 consecutive A bases (chr19:38,561,147-38,561,149); deleting any one gives the same sequence. VCF-style (leftmost placement, unchanged base first): chr19-38561146-GA-G. GRCh37 (hg19) VCF-style: chr19-39051786-GA-G.
Other names: c.12304del, p.Ile4102fs (NM_001042723.2); c.12319delA (NM_000540.2); short protein forms I4107fs, I4102fs.
Identifiers: ClinVar variation 451481 (VCV000451481.23), dbSNP rs754572007, ClinGen allele CA058697.
Genomic context (GRCh38, chr19:38,561,146, plus strand): 5'-CCCACTGACCTCCCTGCCCGCCCCCAGGCCATGGACAGCCAGAAGCAGTTCAGCGGTCCA[GA>G]AATCCAGTTCCTGCTTTCGTGCTCCGAAGCGGATGAGAACGAAATGATCAACTGCGAAGA-3'